The following is an entry in ClinVar:

ClinVar aggregate classification (germline): Benign/Likely benign. Review status: criteria provided, multiple submitters, no conflicts (2 of 4 stars). 10 submissions from 9 submitters: Benign (8); Likely benign (1). 1 of the submissions does not count toward it. Last evaluated 2026-02-01.

Conditions:
Congenital myasthenic syndrome (CMS). Also called: Congenital Myasthenic Syndromes. Identifiers: Orphanet 590, MedGen C0751882, MeSH D020294, MONDO:0018940.
Lethal multiple pterygium syndrome (LMPS). Identifiers: Orphanet 33108, MedGen C1854678, MONDO:0009668, OMIM 253290.

Allele frequency attached by ClinVar (database versions not stated): 1000 Genomes Project 30x 0.01468; 1000 Genomes Project 0.01538; TOPMed 0.02463; ESP Exome Variant Server 0.02676; gnomAD 0.03094 and 0.03225.

Submissions (10):

Labcorp Genetics (formerly Invitae), Labcorp
Classification: Benign for Lethal multiple pterygium syndrome. Last evaluated: 2026-02-01. Review status: criteria provided, single submitter. Criteria: Invitae Variant Classification Sherloc (09022015). Collection method: clinical testing. Allele origin: germline.

Athena Diagnostics
Classification: Benign. Last evaluated: 2025-11-04. Review status: criteria provided, single submitter. Criteria: Athena Diagnostics Criteria. Collection method: clinical testing. Allele origin: unknown.
Comment: The frequency of this variant in the general population is higher than would generally be expected for pathogenic variants in this gene.

Blueprint Genetics
Classification: Likely benign. Last evaluated: 2024-11-26. Review status: criteria provided, single submitter. Criteria: ACMG Guidelines, 2015. Collection method: clinical testing. Allele origin: germline.

Mayo Clinic Laboratories, Mayo Clinic
Classification: Benign. Last evaluated: 2022-07-11. Review status: criteria provided, single submitter. Criteria: ACMG Guidelines, 2015. Collection method: clinical testing. Allele origin: germline. Observed: 27 variant alleles.
Comment: BA1, BP4, BP7

Illumina Laboratory Services, Illumina
Classification: Benign for Congenital myasthenic syndrome. Last evaluated: 2018-01-13. Review status: criteria provided, single submitter. Criteria: ICSL Variant Classification Criteria 13 December 2019. Collection method: clinical testing. Allele origin: germline.
Comment: This variant was observed in the ICSL laboratory as part of a predisposition screen in an ostensibly healthy population. It had not been previously curated by ICSL or reported in the Human Gene Mutation Database (HGMD: prior to June 1st, 2018), and was therefore a candidate for classification through an automated scoring system. Utilizing variant allele frequency, disease prevalence and penetrance estimates, and inheritance mode, an automated score was calculated to assess if this variant is too frequent to cause the disease. Based on the score and internal cut-off values, a variant classified as benign is not then subjected to further curation. The score for this variant resulted in a classification of benign for this disease.

Illumina Laboratory Services, Illumina
Classification: Benign for Lethal multiple pterygium syndrome. Last evaluated: 2018-01-13. Review status: criteria provided, single submitter. Criteria: ICSL Variant Classification Criteria 13 December 2019. Collection method: clinical testing. Allele origin: germline.
Comment: the same text as in the submission from Illumina Laboratory Services, Illumina above.

GeneDx
Classification: Benign. Last evaluated: 2016-05-26. Review status: criteria provided, single submitter. Criteria: GeneDx Variant Classification (06012015). Collection method: clinical testing. Allele origin: germline. Affected: yes.
Comment: This variant is considered likely benign or benign based on one or more of the following criteria: it is a conservative change, it occurs at a poorly conserved position in the protein, it is predicted to be benign by multiple in silico algorithms, and/or has population frequency not consistent with disease.

Breakthrough Genomics
Classification: Benign. Review status: criteria provided, single submitter. Criteria: ACMG Guidelines, 2015. Collection method: not provided. Allele origin: germline. Inheritance: Autosomal recessive inheritance. Affected: yes.

PreventionGenetics, part of Exact Sciences
Classification: Benign. Review status: criteria provided, single submitter. Criteria: ACMG Guidelines, 2015. Collection method: clinical testing. Allele origin: germline.

Genetic Services Laboratory, University of Chicago
Classification: Likely benign for AllHighlyPenetrant. Review status: no assertion criteria provided. Collection method: clinical testing. Allele origin: germline. Not counted in ClinVar's aggregate classification.
Comment: Likely benign based on allele frequency in 1000 Genomes Project or ESP global frequency and its presence in a patient with a rare or unrelated disease phenotype. NOT Sanger confirmed.

NM_000751.3(CHRND):c.120G>A (p.Lys40=)

Gene: CHRND (cholinergic receptor nicotinic delta subunit; plus strand). Cytogenetic location: 2q37.1.
Variant type: single nucleotide variant.
Coding change: c.120G>A on transcript NM_000751.3 (MANE Select); coding-DNA position 120, G replaced by A.
Protein change: p.Lys40=; no amino-acid change (lysine 40 retained).
Molecular consequence: synonymous variant. On other transcripts: 5 prime UTR variant (2).
Genome position (GRCh38, 1-based): chr2:232,526,596, G>A. VCF-style: chr2-232526596-G-A. GRCh37 (hg19) VCF-style: chr2-233391306-G-A.
Other names: p.Lys40=; c.120G>A, p.Lys40= (NM_001256657.2); c.-152G>A (NM_001311195.2, NM_001311196.2).
Identifiers: ClinVar variation 128756 (VCV000128756.23), dbSNP rs55921262, ClinGen allele CA152396.